The following is an entry in ClinVar:

ClinVar aggregate classification (germline): Likely benign (1 of 4 stars; one submission).

Allele frequency attached by ClinVar (database versions not stated): TOPMed 0.00002 and 0.00001; ExAC 0.00003; gnomAD 0.00004 and 0.00006.
gnomAD v4.1: 20 of 1,613,006 alleles (0.0012%); highest among the groups gnomAD compares: Non-Finnish European, 0.000085%; no homozygotes.

Submission:

GeneDx
Classification: Likely benign. Last evaluated: 2017-09-27. Review status: criteria provided, single submitter. Criteria: GeneDx Variant Classification (06012015). Collection method: clinical testing. Allele origin: germline. Affected: yes.
Comment: This variant is considered likely benign or benign based on one or more of the following criteria: it is a conservative change, it occurs at a poorly conserved position in the protein, it is predicted to be benign by multiple in silico algorithms, and/or has population frequency not consistent with disease.

NM_003282.4(TNNI2):c.423G>C (p.Leu141=)

Gene: TNNI2 (troponin I2, fast skeletal type; plus strand). Cytogenetic location: 11p15.5.
Variant type: single nucleotide variant.
Coding change: c.423G>C on transcript NM_003282.4 (MANE Select); coding-DNA position 423, G replaced by C.
Protein change: p.Leu141=; no amino-acid change (leucine 141 retained).
Molecular consequence: synonymous variant.
Genome position (GRCh38, 1-based): chr11:1,841,177, G>C. VCF-style: chr11-1841177-G-C. GRCh37 (hg19) VCF-style: chr11-1862407-G-C.
Other names: c.423G>C, p.Leu141= (NM_001145829.2, NM_001145841.2).
Identifiers: ClinVar variation 512348 (VCV000512348.1), dbSNP rs776540696, ClinGen allele CA5815263.